The following is an entry in ClinVar:

NM_005881.4(BCKDK):c.694G>A (p.Glu232Lys)

Gene: BCKDK (branched chain keto acid dehydrogenase kinase; plus strand). Cytogenetic location: 16p11.2.
Variant type: single nucleotide variant.
Coding change: c.694G>A on transcript NM_005881.4 (MANE Select); coding-DNA position 694, G replaced by A.
Protein change: p.Glu232Lys; replaces glutamic acid 232 with lysine.
Molecular consequence: missense variant.
Genome position (GRCh38, 1-based): chr16:31,110,739, G>A. VCF-style: chr16-31110739-G-A. GRCh37 (hg19) VCF-style: chr16-31122060-G-A.
Other names: c.694G>A, p.Glu232Lys (NM_001122957.4, NM_001271926.3); short protein forms E232K.
Identifiers: ClinVar variation 1306869 (VCV001306869.2), dbSNP rs2143942134, ClinGen allele CA395658281.

ClinVar aggregate classification (germline): Uncertain significance (1 of 4 stars; one submission).

Submission:

GeneDx
Classification: Uncertain significance. Last evaluated: 2019-07-17. Review status: criteria provided, single submitter. Criteria: GeneDx Variant Classification Process June 2021. Collection method: clinical testing. Allele origin: germline. Affected: yes.
Comment: Not observed in large population cohorts (Lek et al., 2016); In silico analysis, which includes protein predictors and evolutionary conservation, supports that this variant does not alter protein structure/function; Has not been previously published as pathogenic or benign to our knowledge